The following is an entry in ClinVar:

ClinVar aggregate classification (germline): Uncertain significance (1 of 4 stars; one submission).

Conditions:
X-linked agammaglobulinemia with growth hormone deficiency (IGHD3). Also called: AGAMMAGLOBULINEMIA AND ISOLATED GROWTH HORMONE DEFICIENCY, X-LINKED; FLEISHER SYNDROME; HYPOGAMMAGLOBULINEMIA AND ISOLATED GROWTH HORMONE DEFICIENCY, X-LINKED; IGHD III; Isolated growth hormone deficiency type 3; Growth hormone deficiency with hypogammaglobulinemia. Identifiers: Orphanet 231692, Orphanet 631, MedGen C0472813, MONDO:0010615, OMIM 307200.

Submission:

Labcorp Genetics (formerly Invitae), Labcorp
Classification: Uncertain significance for X-linked agammaglobulinemia with growth hormone deficiency. Last evaluated: 2018-12-25. Review status: criteria provided, single submitter. Criteria: Invitae Variant Classification Sherloc (09022015). Collection method: clinical testing. Allele origin: germline.
Comment: This sequence change replaces serine with phenylalanine at codon 14 of the BTK protein (p.Ser14Phe). The serine residue is highly conserved and there is a large physicochemical difference between serine and phenylalanine. This variant is not present in population databases (ExAC no frequency). This variant has been reported in an individual in the Leiden Open-source Variation Database (PMID: 21520333). This variant disrupts the p.Ser14 amino acid residue in BTK. A different variant that disrupts this residue (p.Ser14Tyr) has been observed in affected individuals (PMID: 19904586, 28236219), suggesting that it may be a clinically significant residue. Algorithms developed to predict the effect of missense changes on protein structure and function are either unavailable or do not agree on the potential impact of this missense change (SIFT: "Deleterious"; PolyPhen-2: "Probably Damaging"; Align-GVGD: "Class C15"). In summary, the available evidence is currently insufficient to determine the role of this variant in disease. Therefore, it has been classified as a Variant of Uncertain Significance.

Literature cited by the submitters: PubMed 21520333; PubMed 19904586; PubMed 28236219.

NM_000061.3(BTK):c.41C>T (p.Ser14Phe)

Gene: BTK (Bruton tyrosine kinase; minus strand). Cytogenetic location: Xq22.1.
Variant type: single nucleotide variant.
Coding change: c.41C>T on transcript NM_000061.3 (MANE Select); coding-DNA position 41, C replaced by T.
Protein change: p.Ser14Phe; replaces serine 14 with phenylalanine.
Molecular consequence: missense variant.
Genome position (GRCh38, 1-based): chrX:101,375,244, G>A on the plus strand (C>T on the coding strand, the complement: BTK is on the minus strand). VCF-style: chrX-101375244-G-A. GRCh37 (hg19) VCF-style: chrX-100630232-G-A.
Other names: c.143C>T, p.Ser48Phe (NM_001287344.2); c.41C>T, p.Ser14Phe (NM_001287345.2); short protein forms S14F, S48F.
Identifiers: ClinVar variation 641792 (VCV000641792.9), dbSNP rs1057520682, ClinGen allele CA413939745.